The following is an entry in ClinVar:

NM_017636.4(TRPM4):c.3215G>A (p.Arg1072Gln)

Gene: TRPM4 (transient receptor potential cation channel subfamily M member 4; plus strand). Cytogenetic location: 19q13.33.
Variant type: single nucleotide variant.
Coding change: c.3215G>A on transcript NM_017636.4 (MANE Select); coding-DNA position 3215, G replaced by A.
Protein change: p.Arg1072Gln; replaces arginine 1072 with glutamine.
Molecular consequence: missense variant.
Genome position (GRCh38, 1-based): chr19:49,210,292, G>A. VCF-style: chr19-49210292-G-A. GRCh37 (hg19) VCF-style: chr19-49713549-G-A.
Other names: c.2780G>A, p.Arg927Gln (NM_001195227.2); c.2870G>A, p.Arg957Gln (NM_001321281.2); c.1607G>A, p.Arg536Gln (NM_001321282.2); c.2693G>A, p.Arg898Gln (NM_001321283.2); c.2153G>A, p.Arg718Gln (NM_001321285.2); short protein forms R1072Q, R536Q, R927Q, R898Q, R957Q, R718Q.
Identifiers: ClinVar variation 947278 (VCV000947278.10), dbSNP rs1969300101, ClinGen allele CA406771840.

ClinVar aggregate classification (germline): Uncertain significance. Review status: criteria provided, multiple submitters, no conflicts (2 of 4 stars). 2 submissions from 2 submitters: Uncertain significance (2). Last evaluated 2022-09-16.

Conditions:
Progressive familial heart block type IB (PFHB1B). Identifiers: Orphanet 871, MedGen C1970298, MONDO:0011474, OMIM 604559.

Submissions (2):

Blueprint Genetics
Classification: Uncertain significance. Last evaluated: 2022-09-16. Review status: criteria provided, single submitter. Criteria: ACMG Guidelines, 2015. Collection method: clinical testing. Allele origin: germline.

Labcorp Genetics (formerly Invitae), Labcorp
Classification: Uncertain significance for Progressive familial heart block type IB. Last evaluated: 2019-04-19. Review status: criteria provided, single submitter. Criteria: Invitae Variant Classification Sherloc (09022015). Collection method: clinical testing. Allele origin: germline.
Comment: This sequence change replaces arginine with glutamine at codon 1072 of the TRPM4 protein (p.Arg1072Gln). The arginine residue is moderately conserved and there is a small physicochemical difference between arginine and glutamine. This variant is not present in population databases (ExAC no frequency). This variant has not been reported in the literature in individuals with TRPM4-related conditions. Algorithms developed to predict the effect of missense changes on protein structure and function are either unavailable or do not agree on the potential impact of this missense change (SIFT: "Tolerated"; PolyPhen-2: "Probably Damaging"; Align-GVGD: "Class C0"). Algorithms developed to predict the effect of sequence changes on RNA splicing suggest that this variant may create or strengthen a splice site, but this prediction has not been confirmed by published transcriptional studies. In summary, the available evidence is currently insufficient to determine the role of this variant in disease. Therefore, it has been classified as a Variant of Uncertain Significance.